The following is an entry in ClinVar:

NM_006506.5(RASA2):c.886A>G (p.Asn296Asp)

Gene: RASA2 (RAS p21 protein activator 2; plus strand). Cytogenetic location: 3q23.
Variant type: single nucleotide variant.
Coding change: c.886A>G on transcript NM_006506.5 (MANE Select); coding-DNA position 886, A replaced by G.
Protein change: p.Asn296Asp; replaces asparagine 296 with aspartic acid.
Molecular consequence: missense variant.
Genome position (GRCh38, 1-based): chr3:141,570,934, A>G. VCF-style: chr3-141570934-A-G. GRCh37 (hg19) VCF-style: chr3-141289776-A-G.
Other names: c.886A>G, p.Asn296Asp (NM_001303245.3, NM_001303246.3); short protein forms N296D.
Identifiers: ClinVar variation 3351543 (VCV003351543.1).
Genomic context (GRCh38, chr3:141,570,934, plus strand): 5'-ATTTCCATCACATGGAATCACTTATATTTTTACTTTAGGTACTTGCTACAGCCAAGAGAC[A>G]ATGGAAACAAGTCATCCAAAACTGATGACCTGGGGTCTCTTCGATTAAATATATGTTATA-3'
Protein context (NP_006497.2, residues 286-306): QAWYLLQPRD[Asn296Asp]GNKSSKTDDL

ClinVar aggregate classification (germline): Uncertain significance (0 of 4 stars; one submission).

Conditions:
RASA2-related disorder. Also called: RASA2-related condition.

gnomAD v4.1: 11 of 1,608,602 alleles (0.00068%); highest among the groups gnomAD compares: South Asian, 0.0056%; no homozygotes.

Submission:

PreventionGenetics, part of Exact Sciences
Classification: Uncertain significance for RASA2-related condition. Last evaluated: 2024-09-23. Review status: no assertion criteria provided. Collection method: clinical testing. Allele origin: germline.
Comment: The RASA2 c.886A>G variant is predicted to result in the amino acid substitution p.Asn296Asp. To our knowledge, this variant has not been reported in the literature. This variant is reported in 0.00078% of alleles in individuals of European (Non-Finnish) descent in gnomAD. At this time, the clinical significance of this variant is uncertain due to the absence of conclusive functional and genetic evidence.